The following is an entry in ClinVar:

NM_001113491.2(SEPTIN9):c.1375C>G (p.Gln459Glu)

Gene: SEPTIN9 (septin 9; plus strand). Cytogenetic location: 17q25.3.
Variant type: single nucleotide variant.
Coding change: c.1375C>G on transcript NM_001113491.2 (MANE Select); coding-DNA position 1375, C replaced by G.
Protein change: p.Gln459Glu; replaces glutamine 459 with glutamic acid.
Molecular consequence: missense variant.
Genome position (GRCh38, 1-based): chr17:77,490,854, C>G. VCF-style: chr17-77490854-C-G. GRCh37 (hg19) VCF-style: chr17-75486936-C-G.
Other names: c.883C>G, p.Gln295Glu (NM_001113492.2, NM_001113494.1); c.1354C>G, p.Gln452Glu (NM_001113493.2); c.622C>G, p.Gln208Glu (NM_001113495.2, NM_001113496.2, NM_001293697.2 and 1 more transcripts); c.1318C>G, p.Gln440Glu (NM_001293695.2); c.703C>G, p.Gln235Glu (NM_001293696.2); c.1321C>G, p.Gln441Glu (NM_006640.5); short protein forms Q235E, Q295E, Q452E, Q440E, Q441E, Q459E, Q208E.
Identifiers: ClinVar variation 3657048 (VCV003657048.2).

ClinVar aggregate classification (germline): Uncertain significance (1 of 4 stars; one submission).

Submission:

Labcorp Genetics (formerly Invitae), Labcorp
Classification: Uncertain significance. Last evaluated: 2024-06-19. Review status: criteria provided, single submitter. Criteria: Invitae Variant Classification Sherloc (09022015). Collection method: clinical testing. Allele origin: germline.
Comment: This sequence change replaces glutamine, which is neutral and polar, with glutamic acid, which is acidic and polar, at codon 441 of the SEPT9 protein (p.Gln441Glu). This variant is not present in population databases (gnomAD no frequency). This variant has not been reported in the literature in individuals affected with SEPT9-related conditions. Advanced modeling of protein sequence and biophysical properties (such as structural, functional, and spatial information, amino acid conservation, physicochemical variation, residue mobility, and thermodynamic stability) performed at Invitae indicates that this missense variant is not expected to disrupt SEPT9 protein function with a negative predictive value of 80%. In summary, the available evidence is currently insufficient to determine the role of this variant in disease. Therefore, it has been classified as a Variant of Uncertain Significance.